The following is an entry in ClinVar:

ClinVar aggregate classification (germline): Uncertain significance (1 of 4 stars; one submission).

Conditions:
Alstrom syndrome (ALMS). Identifiers: Orphanet 64, MedGen C0268425, MONDO:0008763, OMIM 203800.

Allele frequency attached by ClinVar (database versions not stated): gnomAD exomes below 0.00001.
gnomAD v4.1: 1 of 1,613,074 alleles (0.000062%); highest among the groups gnomAD compares: East Asian, 0.0022%; no homozygotes.

Submission:

Labcorp Genetics (formerly Invitae), Labcorp
Classification: Uncertain significance for Alstrom syndrome. Last evaluated: 2019-01-14. Review status: criteria provided, single submitter. Criteria: Invitae Variant Classification Sherloc (09022015). Collection method: clinical testing. Allele origin: germline.
Comment: In summary, the available evidence is currently insufficient to determine the role of this variant in disease. Therefore, it has been classified as a Variant of Uncertain Significance. Algorithms developed to predict the effect of missense changes on protein structure and function output the following: SIFT: "Tolerated"; PolyPhen-2: "Not Available"; Align-GVGD: "Class C0". The isoleucine amino acid residue is found in multiple mammalian species, suggesting that this missense change does not adversely affect protein function. These predictions have not been confirmed by published functional studies and their clinical significance is uncertain. This variant has not been reported in the literature in individuals with ALMS1-related conditions. This variant is not present in population databases (ExAC no frequency). This sequence change replaces threonine with isoleucine at codon 1279 of the ALMS1 protein (p.Thr1279Ile). The threonine residue is weakly conserved and there is a moderate physicochemical difference between threonine and isoleucine.

NM_001378454.1(ALMS1):c.3833C>T (p.Thr1278Ile)

Gene: ALMS1 (ALMS1 centrosome and basal body associated protein; plus strand). Cytogenetic location: 2p13.1.
Variant type: single nucleotide variant.
Coding change: c.3833C>T on transcript NM_001378454.1 (MANE Select); coding-DNA position 3833, C replaced by T.
Protein change: p.Thr1278Ile; replaces threonine 1278 with isoleucine.
Molecular consequence: missense variant.
Genome position (GRCh38, 1-based): chr2:73,450,360, C>T. VCF-style: chr2-73450360-C-T. GRCh37 (hg19) VCF-style: chr2-73677487-C-T.
Other names: c.3836C>T, p.Thr1279Ile (NM_015120.4); short protein forms T1278I, T1279I.
Identifiers: ClinVar variation 845636 (VCV000845636.8), dbSNP rs1292358818, ClinGen allele CA347276872.
Genomic context (GRCh38, chr2:73,450,360, plus strand): 5'-CAACTGAAGAGGCTCTGAAAATTTCAGTTGCCTCTGAACCAGTTGACCAGACAACTGGCA[C>T]ACCAGCTGTAACCTCTACTTCCTACTCACAATATAGAGAGAAGCCCAGCATTTTCTACCA-3'
Protein context (NP_001365383.1, residues 1268-1288): ASEPVDQTTG[Thr1278Ile]PAVTSTSYSQ